The following is an entry in ClinVar:

NM_004519.4(KCNQ3):c.114C>G (p.Asp38Glu)

Gene: KCNQ3 (potassium voltage-gated channel subfamily Q member 3; minus strand). Cytogenetic location: 8q24.22.
Variant type: single nucleotide variant.
Coding change: c.114C>G on transcript NM_004519.4 (MANE Select); coding-DNA position 114, C replaced by G.
Protein change: p.Asp38Glu; replaces aspartic acid 38 with glutamic acid.
Molecular consequence: missense variant.
Genome position (GRCh38, 1-based): chr8:132,480,419, G>C on the plus strand (C>G on the coding strand, the complement: KCNQ3 is on the minus strand). VCF-style: chr8-132480419-G-C. GRCh37 (hg19) VCF-style: chr8-133492666-G-C.
Other names: short protein forms D38E.
Identifiers: ClinVar variation 1045214 (VCV001045214.8), dbSNP rs1477607835, ClinGen allele CA372292869.

ClinVar aggregate classification (germline): Uncertain significance (1 of 4 stars; one submission).

Conditions:
Benign neonatal seizures. Also called: Benign neonatal familial convulsions; Benign familial neonatal epilepsy; Benign familial neonatal seizures; Convulsions benign familial neonatal dominant form; Autosomal dominant form of benign neonatal seizures. Identifiers: Orphanet 1949, MedGen C0220669, MONDO:0016027.

Allele frequency attached by ClinVar (database versions not stated): TOPMed 0.00002.
gnomAD v4.1: 2 of 1,477,280 alleles (0.00014%); highest among the groups gnomAD compares: Non-Finnish European, 0.00018%; no homozygotes.

Submission:

Labcorp Genetics (formerly Invitae), Labcorp
Classification: Uncertain significance for Benign neonatal seizures. Last evaluated: 2026-01-12. Review status: criteria provided, single submitter. Criteria: Invitae Variant Classification Sherloc (09022015). Collection method: clinical testing. Allele origin: germline.
Comment: This sequence change replaces aspartic acid, which is acidic and polar, with glutamic acid, which is acidic and polar, at codon 38 of the KCNQ3 protein (p.Asp38Glu). This variant is not present in population databases (gnomAD no frequency). This variant has not been reported in the literature in individuals affected with KCNQ3-related conditions. ClinVar contains an entry for this variant (Variation ID: 1045214). Invitae Evidence Modeling of protein sequence and biophysical properties (such as structural, functional, and spatial information, amino acid conservation, physicochemical variation, residue mobility, and thermodynamic stability) indicates that this missense variant is not expected to disrupt KCNQ3 protein function with a negative predictive value of 95%. In summary, the available evidence is currently insufficient to determine the role of this variant in disease. Therefore, it has been classified as a Variant of Uncertain Significance.